The following is an entry in ClinVar:

ClinVar aggregate classification (germline): Uncertain significance (1 of 4 stars; one submission).

Conditions:
Familial adenomatous polyposis 1 (FAP1). Also called: FAMILIAL ADENOMATOUS POLYPOSIS 1, ATTENUATED; POLYPOSIS, ADENOMATOUS INTESTINAL. Identifiers: MedGen C2713442, MONDO:0021056, OMIM 175100. Disease mechanism: loss of function.

Submission:

Labcorp Genetics (formerly Invitae), Labcorp
Classification: Uncertain significance for Familial adenomatous polyposis 1. Last evaluated: 2024-12-26. Review status: criteria provided, single submitter. Criteria: Invitae Variant Classification Sherloc (09022015). Collection method: clinical testing. Allele origin: germline.
Comment: This sequence change replaces proline, which is neutral and non-polar, with arginine, which is basic and polar, at codon 2346 of the APC protein (p.Pro2346Arg). This variant is not present in population databases (gnomAD no frequency). This variant has not been reported in the literature in individuals affected with APC-related conditions. ClinVar contains an entry for this variant (Variation ID: 2699275). Invitae Evidence Modeling of protein sequence and biophysical properties (such as structural, functional, and spatial information, amino acid conservation, physicochemical variation, residue mobility, and thermodynamic stability) indicates that this missense variant is not expected to disrupt APC protein function with a negative predictive value of 95%. In summary, the available evidence is currently insufficient to determine the role of this variant in disease. Therefore, it has been classified as a Variant of Uncertain Significance.

NM_000038.6(APC):c.7037C>G (p.Pro2346Arg)

Gene: APC (APC regulator of Wnt signaling pathway; plus strand). Cytogenetic location: 5q22.2.
Variant type: single nucleotide variant.
Coding change: c.7037C>G on transcript NM_000038.6 (MANE Select); coding-DNA position 7037, C replaced by G.
Protein change: p.Pro2346Arg; replaces proline 2346 with arginine.
Molecular consequence: missense variant. On other transcripts: non-coding transcript variant (2).
Genome position (GRCh38, 1-based): chr5:112,842,631, C>G. VCF-style: chr5-112842631-C-G. GRCh37 (hg19) VCF-style: chr5-112178328-C-G.
Other names: c.6650C>G, p.Pro2217Arg (NM_001407467.1, NM_001407469.1); c.6188C>G, p.Pro2063Arg (NM_001407470.1, NM_001354906.2); c.5885C>G, p.Pro1962Arg (NM_001407471.1, NM_001407472.1); c.7037C>G, p.Pro2346Arg (NM_001127510.3, NM_001354895.2, NM_001407450.1); c.6983C>G, p.Pro2328Arg (NM_001127511.3); c.7091C>G, p.Pro2364Arg (NM_001354896.2, NM_001407447.1, NM_001407448.1 and 1 more transcripts); c.7067C>G, p.Pro2356Arg (NM_001354897.2); c.6962C>G, p.Pro2321Arg (NM_001354898.2); and 11 more; short protein forms P1962R, P2186R, P2305R, P2328R, P2063R, P2217R, P2220R, P2255R.
Identifiers: ClinVar variation 2699275 (VCV002699275.3), dbSNP rs2149978691, ClinGen allele CA16036671.